The following is an entry in ClinVar:

ClinVar aggregate classification (germline): Pathogenic (1 of 4 stars; one submission).

Conditions:
Beta-D-mannosidosis (MANSB). Also called: MANNOSIDOSIS, BETA A, LYSOSOMAL; BETA-MANNOSIDASE DEFICIENCY; LYSOSOMAL BETA-MANNOSIDASE DEFICIENCY; Beta-Mannosidosis. Identifiers: Orphanet 118, MedGen C4048196, MONDO:0009562, OMIM 248510.

Submission:

Labcorp Genetics (formerly Invitae), Labcorp
Classification: Pathogenic for Beta-D-mannosidosis. Last evaluated: 2022-06-28. Review status: criteria provided, single submitter. Criteria: Invitae Variant Classification Sherloc (09022015). Collection method: clinical testing. Allele origin: germline.
Comment: This sequence change creates a premature translational stop signal (p.Thr386Serfs*10) in the MANBA gene. It is expected to result in an absent or disrupted protein product. Loss-of-function variants in MANBA are known to be pathogenic (PMID: 9384606, 12468273). This variant is not present in population databases (gnomAD no frequency). For these reasons, this variant has been classified as Pathogenic. This variant has not been reported in the literature in individuals affected with MANBA-related conditions.

Literature cited by the submitters: PubMed 9384606; PubMed 12468273.

NM_005908.4(MANBA):c.1156_1157del (p.Thr386fs)

Gene: MANBA (mannosidase beta; minus strand). Cytogenetic location: 4q24.
Variant type: Deletion.
Coding change: c.1156_1157del on transcript NM_005908.4 (MANE Select); coding-DNA positions 1156 to 1157, 2 bases deleted (AC; older notation c.1156_1157delAC).
Protein change: p.Thr386fs; shifts the reading frame from threonine 386.
Molecular consequence: frameshift variant.
Genome position (GRCh38, 1-based): chr4:102,671,354-102,671,355, GT deleted on the plus strand (AC on the coding strand, the reverse complement: MANBA is on the minus strand). VCF-style (leftmost placement, unchanged base first): chr4-102671353-AGT-A. GRCh37 (hg19) VCF-style: chr4-103592510-AGT-A.
Other names: short protein forms T386fs.
Identifiers: ClinVar variation 1978132 (VCV001978132.5), dbSNP rs2476782313, ClinGen allele CA2580071272.
Genomic context (GRCh38, chr4:102,671,353, plus strand): 5'-TTCATCACAGAGTTCATAGAATTCATCCTGCTCATAAATTCCTCCTCCCCAAACCCGAAG[AGT>A]ATTCATATTAGCATCCACAACAGACTGTAAAAGGAGCCGTAACCTGTAGAAGACATTTTA-3'